The following is an entry in ClinVar:

NM_013336.4(SEC61A1):c.252T>G (p.Ile84Met)

Gene: SEC61A1 (SEC61 translocon subunit alpha 1; plus strand). Cytogenetic location: 3q21.3.
Variant type: single nucleotide variant.
Coding change: c.252T>G on transcript NM_013336.4 (MANE Select); coding-DNA position 252, T replaced by G.
Protein change: p.Ile84Met; replaces isoleucine 84 with methionine.
Molecular consequence: missense variant.
Genome position (GRCh38, 1-based): chr3:128,056,740, T>G. VCF-style: chr3-128056740-T-G. GRCh37 (hg19) VCF-style: chr3-127775583-T-G.
Other names: c.270T>G, p.Ile90Met (NM_001400328.1); c.93T>G, p.Ile31Met (NM_001400329.1); short protein forms I84M, I31M, I90M.
Identifiers: ClinVar variation 2759202 (VCV002759202.3), dbSNP rs1362764750, ClinGen allele CA354391387.
Genomic context (GRCh38, chr3:128,056,740, plus strand): 5'-TGACTGTTTTGCTTCCCCGTTTCCTCAAGGCACATTGATGGAGCTAGGGATCTCTCCTAT[T>G]GTCACGTCTGGCCTTATAATGCAACTCTTGGCTGGCGCCAAGATAATTGAAGTTGGTGAC-3'
Protein context (NP_037468.1, residues 74-94): GTLMELGISP[Ile84Met]VTSGLIMQLL

ClinVar aggregate classification (germline): Uncertain significance (1 of 4 stars; one submission).

Submission:

Labcorp Genetics (formerly Invitae), Labcorp
Classification: Uncertain significance. Last evaluated: 2023-09-08. Review status: criteria provided, single submitter. Criteria: Invitae Variant Classification Sherloc (09022015). Collection method: clinical testing. Allele origin: germline.
Comment: In summary, the available evidence is currently insufficient to determine the role of this variant in disease. Therefore, it has been classified as a Variant of Uncertain Significance. Advanced modeling of protein sequence and biophysical properties (such as structural, functional, and spatial information, amino acid conservation, physicochemical variation, residue mobility, and thermodynamic stability) performed at Invitae indicates that this missense variant is not expected to disrupt SEC61A1 protein function. This variant has not been reported in the literature in individuals affected with SEC61A1-related conditions. This variant is not present in population databases (gnomAD no frequency). This sequence change replaces isoleucine, which is neutral and non-polar, with methionine, which is neutral and non-polar, at codon 84 of the SEC61A1 protein (p.Ile84Met).